The following is an entry in ClinVar:

ClinVar aggregate classification (germline): Likely benign (3 of 4 stars; one submission).

Conditions:
Breast-ovarian cancer, familial, susceptibility to, 2 (BROVCA2). Also called: BRCA2 Hereditary Breast and Ovarian Cancer. Identifiers: Orphanet 145, MedGen C2675520, MONDO:0012933, OMIM 612555. Disease mechanism: loss of function.

Allele frequency attached by ClinVar (database versions not stated): gnomAD exomes below 0.00001; ExAC 0.00001.
gnomAD v4.1: 2 of 1,611,792 alleles (0.00012%); highest among the groups gnomAD compares: South Asian, 0.0022%; no homozygotes.

Submission:

Evidence-based Network for the Interpretation of Germline Mutant Alleles (ENIGMA)
Classification: Likely benign for Breast-ovarian cancer, familial, susceptibility to, 2. Last evaluated: 2017-06-29. Review status: reviewed by expert panel. Criteria: ENIGMA BRCA1/2 Classification Criteria (2017-06-29). Collection method: curation. Allele origin: germline.
Comment: Synonymous substitution variant, with low bioinformatic likelihood to result in a splicing aberration (Splicing prior probability 0.02).

NM_000059.4(BRCA2):c.4102T>C (p.Leu1368=)

Gene: BRCA2 (BRCA2 DNA repair associated; plus strand). Cytogenetic location: 13q13.1.
Variant type: single nucleotide variant.
Coding change: c.4102T>C on transcript NM_000059.4 (MANE Select); coding-DNA position 4102, T replaced by C.
Protein change: p.Leu1368=; no amino-acid change (leucine 1368 retained).
Molecular consequence: synonymous variant.
Genome position (GRCh38, 1-based): chr13:32,338,457, T>C. VCF-style: chr13-32338457-T-C. GRCh37 (hg19) VCF-style: chr13-32912594-T-C.
Identifiers: ClinVar variation 427507 (VCV000427507.3), dbSNP rs759357549, ClinGen allele CA6940746.